The following is an entry in ClinVar:

NM_003244.4(TGIF1):c.*19A>G

Gene: TGIF1 (TGFB induced factor homeobox 1; plus strand). Cytogenetic location: 18p11.31.
Variant type: single nucleotide variant.
Coding change: c.*19A>G on transcript NM_003244.4 (MANE Select); 19 bases downstream of the stop codon, A replaced by G.
Molecular consequence: 3 prime UTR variant.
Genome position (GRCh38, 1-based): chr18:3,457,959, A>G. VCF-style: chr18-3457959-A-G. GRCh37 (hg19) VCF-style: chr18-3457957-A-G.
Other names: c.*19A>G (NM_001278682.2, NM_001278684.2, NM_001278686.3 and 9 more transcripts).
Identifiers: ClinVar variation 326711 (VCV000326711.6), dbSNP rs145621092, ClinGen allele CA8876023.

ClinVar aggregate classification (germline): Likely benign. Review status: criteria provided, multiple submitters, no conflicts (2 of 4 stars). 2 submissions from 2 submitters: Likely benign (2). Last evaluated 2024-11-22.

Conditions:
Holoprosencephaly 4 (HPE4). Identifiers: Orphanet 2162, MedGen C1840528, MONDO:0007734, OMIM 142946.

Allele frequency attached by ClinVar (database versions not stated): gnomAD 0.00038 and 0.00039; TOPMed 0.00038; ExAC 0.00041; 1000 Genomes Project 0.00060; 1000 Genomes Project 30x 0.00062; ESP Exome Variant Server 0.00062.
gnomAD v4.1: 396 of 1,596,582 alleles (0.025%); highest among the groups gnomAD compares: Middle Eastern, 0.63%; 2 homozygotes.

Submissions (2):

Blueprint Genetics
Classification: Likely benign. Last evaluated: 2024-11-22. Review status: criteria provided, single submitter. Criteria: ACMG Guidelines, 2015. Collection method: clinical testing. Allele origin: germline.

Illumina Laboratory Services, Illumina
Classification: Likely benign for Holoprosencephaly 4. Last evaluated: 2018-01-13. Review status: criteria provided, single submitter. Criteria: ICSL Variant Classification Criteria 13 December 2019. Collection method: clinical testing. Allele origin: germline.
Comment: This variant was observed in the ICSL laboratory as part of a predisposition screen in an ostensibly healthy population. It had not been previously curated by ICSL or reported in the Human Gene Mutation Database (HGMD: prior to June 1st, 2018), and was therefore a candidate for classification through an automated scoring system. Utilizing variant allele frequency, disease prevalence and penetrance estimates, and inheritance mode, an automated score was calculated to assess if this variant is too frequent to cause the disease. Based on the score and internal cut-off values, a variant classified as likely benign is not then subjected to further curation. The score for this variant resulted in a classification of likely benign for this disease.